The following is an entry in ClinVar:

ClinVar aggregate classification (germline): Uncertain significance (1 of 4 stars; one submission).

Conditions:
Congenital sideroblastic anemia-B-cell immunodeficiency-periodic fever-developmental delay syndrome. Also called: Sideroblastic anemia with B-cell immunodeficiency, periodic fevers, and developmental delay. Identifiers: Orphanet 369861, MedGen C4015172, MONDO:0014487, OMIM 616084.

Allele frequency attached by ClinVar (database versions not stated): gnomAD exomes 0.00001.
gnomAD v4.1: 4 of 1,613,830 alleles (0.00025%); highest among the groups gnomAD compares: Admixed American, 0.005%; no homozygotes.

Submission:

Labcorp Genetics (formerly Invitae), Labcorp
Classification: Uncertain significance for Congenital sideroblastic anemia-B-cell immunodeficiency-periodic fever-developmental delay syndrome. Last evaluated: 2025-01-27. Review status: criteria provided, single submitter. Criteria: Invitae Variant Classification Sherloc (09022015). Collection method: clinical testing. Allele origin: germline.
Comment: This sequence change replaces glutamine, which is neutral and polar, with glutamic acid, which is acidic and polar, at codon 88 of the TRNT1 protein (p.Gln88Glu). This variant is present in population databases (no rsID available, gnomAD 0.006%). This variant has not been reported in the literature in individuals affected with TRNT1-related conditions. ClinVar contains an entry for this variant (Variation ID: 1445091). Invitae Evidence Modeling of protein sequence and biophysical properties (such as structural, functional, and spatial information, amino acid conservation, physicochemical variation, residue mobility, and thermodynamic stability) indicates that this missense variant is not expected to disrupt TRNT1 protein function with a negative predictive value of 80%. In summary, the available evidence is currently insufficient to determine the role of this variant in disease. Therefore, it has been classified as a Variant of Uncertain Significance.

NM_182916.3(TRNT1):c.262C>G (p.Gln88Glu)

Gene: TRNT1 (tRNA nucleotidyl transferase 1; plus strand). Cytogenetic location: 3p26.2.
Variant type: single nucleotide variant.
Coding change: c.262C>G on transcript NM_182916.3 (MANE Select); coding-DNA position 262, C replaced by G.
Protein change: p.Gln88Glu; replaces glutamine 88 with glutamic acid.
Molecular consequence: missense variant. On other transcripts: non-coding transcript variant (8).
Genome position (GRCh38, 1-based): chr3:3,137,373, C>G. VCF-style: chr3-3137373-C-G. GRCh37 (hg19) VCF-style: chr3-3179057-C-G.
Other names: c.262C>G, p.Gln88Glu (NM_001302946.2, NM_001367321.1, NM_001367322.1 and 1 more transcripts); short protein forms Q88E.
Identifiers: ClinVar variation 1445091 (VCV001445091.4), dbSNP rs1439134079, ClinGen allele CA351443158.